The following is an entry in ClinVar:

NM_001369369.1(FOXN1):c.103G>C (p.Gly35Arg)

Gene: FOXN1 (forkhead box N1; plus strand). Cytogenetic location: 17q11.2.
Variant type: single nucleotide variant.
Coding change: c.103G>C on transcript NM_001369369.1 (MANE Select); coding-DNA position 103, G replaced by C.
Protein change: p.Gly35Arg; replaces glycine 35 with arginine.
Molecular consequence: missense variant.
Genome position (GRCh38, 1-based): chr17:28,524,072, G>C. VCF-style: chr17-28524072-G-C. GRCh37 (hg19) VCF-style: chr17-26851090-G-C.
Other names: c.103G>C, p.Gly35Arg (NM_003593.3); short protein forms G35R.
Identifiers: ClinVar variation 4995067 (VCV004995067.1).
Genomic context (GRCh38, chr17:28,524,072, plus strand): 5'-GGCCCCACCAGACTGGAGGGCGAGCGCCAAGGGGACCTCATGCAGGCACCGGGCCTCCCA[G>C]GCTCCCCTGCCCCACAGAGTGTAAGTACCCGGCATCTGGGCCTGGGTTTAGGCCAAGGCC-3'
Protein context (NP_001356298.1, residues 25-45): GDLMQAPGLP[Gly35Arg]SPAPQSKHAG

ClinVar aggregate classification (germline): Uncertain significance (1 of 4 stars; one submission).

Conditions:
FOXN1-related disorder. Also called: FOXN1-related condition.

Submission:

PreventionGenetics, part of Exact Sciences
Classification: Uncertain significance for FOXN1-related condition. Last evaluated: 2026-06-22. Review status: criteria provided, single submitter. Criteria: ACMG Guidelines, 2015. Collection method: clinical testing. Allele origin: germline.
Comment: The FOXN1 c.103G>C variant is predicted to result in the amino acid substitution p.Gly35Arg. To our knowledge, this variant has not been reported in the literature or in a large population database (gnomAD), indicating this variant is rare. At this time, the clinical significance of this variant is uncertain due to the absence of conclusive functional and genetic evidence.